The following is an entry in ClinVar:

ClinVar aggregate classification (germline): Benign (1 of 4 stars; one submission).

Conditions:
Frontotemporal dementia and/or amyotrophic lateral sclerosis 7 (FTDALS7). Also called: CHMP2B-Related Frontotemporal Dementia-Amyotrophic Lateral Sclerosis; CHMP2B-related frontotemporal dementia; AMYOTROPHIC LATERAL SCLEROSIS, CHMP2B-RELATED; Amyotrophic lateral sclerosis 17. Identifiers: Orphanet 275864, Orphanet 282, Orphanet 803, MedGen C1833296, MONDO:0010936, OMIM 600795.

Allele frequency attached by ClinVar (database versions not stated): gnomAD 0.00079 and 0.00080; 1000 Genomes Project 0.00080; 1000 Genomes Project 30x 0.00094; TOPMed 0.00124.

Submission:

Illumina Laboratory Services, Illumina
Classification: Benign for Frontotemporal dementia and/or amyotrophic lateral sclerosis 7. Last evaluated: 2018-01-13. Review status: criteria provided, single submitter. Criteria: ICSL Variant Classification Criteria 13 December 2019. Collection method: clinical testing. Allele origin: germline.
Comment: This variant was observed in the ICSL laboratory as part of a predisposition screen in an ostensibly healthy population. It had not been previously curated by ICSL or reported in the Human Gene Mutation Database (HGMD: prior to June 1st, 2018), and was therefore a candidate for classification through an automated scoring system. Utilizing variant allele frequency, disease prevalence and penetrance estimates, and inheritance mode, an automated score was calculated to assess if this variant is too frequent to cause the disease. Based on the score and internal cut-off values, a variant classified as benign is not then subjected to further curation. The score for this variant resulted in a classification of benign for this disease.

NM_014043.4(CHMP2B):c.*864G>A

Gene: CHMP2B (charged multivesicular body protein 2B; plus strand). Cytogenetic location: 3p11.2.
Variant type: single nucleotide variant.
Coding change: c.*864G>A on transcript NM_014043.4 (MANE Select); 864 bases downstream of the stop codon, G replaced by A.
Molecular consequence: 3 prime UTR variant.
Genome position (GRCh38, 1-based): chr3:87,254,686, G>A. VCF-style: chr3-87254686-G-A. GRCh37 (hg19) VCF-style: chr3-87303836-G-A.
Other names: c.*864G>A (NM_001244644.2).
Identifiers: ClinVar variation 346814 (VCV000346814.5), dbSNP rs181777395, ClinGen allele CA10617537.